The following is an entry in ClinVar:

NM_001046.3(SLC12A2):c.3448A>G (p.Ile1150Val)

Gene: SLC12A2 (solute carrier family 12 member 2; plus strand). Cytogenetic location: 5q23.3.
Variant type: single nucleotide variant.
Coding change: c.3448A>G on transcript NM_001046.3 (MANE Select); coding-DNA position 3448, A replaced by G.
Protein change: p.Ile1150Val; replaces isoleucine 1150 with valine.
Molecular consequence: missense variant. On other transcripts: non-coding transcript variant (1).
Genome position (GRCh38, 1-based): chr5:128,184,801, A>G. VCF-style: chr5-128184801-A-G. GRCh37 (hg19) VCF-style: chr5-127520493-A-G.
Other names: c.3400A>G, p.Ile1134Val (NM_001256461.2); short protein forms I1150V, I1134V.
Identifiers: ClinVar variation 4980900 (VCV004980900.1).

ClinVar aggregate classification (germline): Uncertain significance (1 of 4 stars; one submission).

Conditions:
SLC12A2-related disorder. Also called: SLC12A2-related condition; SLC12A2-related disorders.

gnomAD v4.1: 30 of 1,609,904 alleles (0.0019%); highest among the groups gnomAD compares: African/African-American, 0.037%; no homozygotes.

Submission:

PreventionGenetics, part of Exact Sciences
Classification: Uncertain significance for SLC12A2-related condition. Last evaluated: 2024-11-06. Review status: criteria provided, single submitter. Criteria: ACMG Guidelines, 2015. Collection method: clinical testing. Allele origin: germline.
Comment: The SLC12A2 c.3448A>G variant is predicted to result in the amino acid substitution p.Ile1150Val. To our knowledge, this variant has not been reported in the literature. This variant is reported in 0.028% of alleles in individuals of African descent in gnomAD. At this time, the clinical significance of this variant is uncertain due to the absence of conclusive functional and genetic evidence.